The following is an entry in ClinVar:

NM_001009944.3(PKD1):c.9583T>C (p.Trp3195Arg)

Gene: PKD1 (polycystin 1, transient receptor potential channel interacting; minus strand). Cytogenetic location: 16p13.3.
Variant type: single nucleotide variant.
Coding change: c.9583T>C on transcript NM_001009944.3 (MANE Select); coding-DNA position 9583, T replaced by C.
Protein change: p.Trp3195Arg; replaces tryptophan 3195 with arginine.
Molecular consequence: missense variant.
Genome position (GRCh38, 1-based): chr16:2,100,295, A>G on the plus strand (T>C on the coding strand, the complement: PKD1 is on the minus strand). VCF-style: chr16-2100295-A-G. GRCh37 (hg19) VCF-style: chr16-2150296-A-G.
Other names: c.9583T>C, p.Trp3195Arg (NM_000296.4); short protein forms W3195R.
Identifiers: ClinVar variation 3252569 (VCV003252569.7), dbSNP rs2544716341.

ClinVar aggregate classification (germline): Conflicting classifications of pathogenicity. Review status: criteria provided, conflicting classifications (1 of 4 stars). 4 submissions from 4 submitters: Likely pathogenic (1); Uncertain significance (3). Last evaluated 2026-08-07.

Conditions:
PKD1-related disorder. Also called: PKD1-related condition.
Polycystic kidney disease, adult type (PKD1). Also called: POLYCYSTIC KIDNEY DISEASE, ADULT, TYPE I; Polycystic Kidney Disease 1, Autosomal Dominant; Polycystic kidney disease 1; Polycystic kidney disease 1, severe; Polycystic Kidney, Autosomal Dominant; POLYCYSTIC KIDNEY DISEASE 1 WITH OR WITHOUT POLYCYSTIC LIVER DISEASE. Identifiers: MedGen C3149841, MONDO:0008263, OMIM 173900.

Submissions (4):

GeneDx
Classification: Uncertain significance. Last evaluated: 2026-08-07. Review status: criteria provided, single submitter. Criteria: GeneDx Variant Classification Process June 2021. Collection method: clinical testing. Allele origin: germline.
Comment: Not observed at significant frequency in large population cohorts (gnomAD); In silico analysis supports that this missense variant has a deleterious effect on protein structure/function; This variant is associated with the following publications: (PMID: 30927425, 23985799, 25646624, 39899384, 36186434)

Women's Health and Genetics/Laboratory Corporation of America, LabCorp
Classification: Uncertain significance. Last evaluated: 2026-02-20. Review status: criteria provided, single submitter. Criteria: LabCorp Variant Classification Summary - May 2015. Collection method: clinical testing. Allele origin: germline.
Comment: Variant summary: PKD1 c.9583T>C (p.Trp3195Arg) results in a non-conservative amino acid change in the encoded protein sequence. Algorithms developed to predict the effect of missense changes on protein structure and function all suggest that this variant is likely to be disruptive. The variant was absent in 248274 control chromosomes (gnomAD). The available data on variant occurrences in the general population are insufficient to allow any conclusion about variant significance. c.9583T>C has been observed in the heterozygous state in individuals affected with Polycystic Kidney Disease 1, without strong evidence of causality (e.g. Chang_2013, Eisenberger_2015, Berckmoes_2019, Yan_2022, Jawaid_2025). These reports do not provide unequivocal conclusions about association of the variant with Polycystic Kidney Disease 1. To our knowledge, no experimental evidence demonstrating an impact on protein function has been reported. The following publications have been ascertained in the context of this evaluation (PMID: 25646624, 23985799, 36186434, 30927425, 39899384). ClinVar contains an entry for this variant (Variation ID: 3252569). Based on the evidence outlined above, the variant was classified as uncertain significance.

Victorian Clinical Genetics Services, Murdoch Childrens Research Institute
Classification: Uncertain significance for Polycystic kidney disease, adult type. Last evaluated: 2025-09-08. Review status: criteria provided, single submitter. Criteria: ACMG Guidelines, 2015. Collection method: clinical testing. Allele origin: germline. Affected: yes.
Comment: This variant is classified as VUS-3A. Evidence in support of pathogenic classification: Variant is absent from gnomAD (v2, v3 and v4); Other missense variant(s) comparable to the one identified in this case have moderate previous evidence for pathogenicity. p.(Trp3195Gly) has been reported in the literature as a VUS in an Italian ADPKD cohort (PMID: 32457805). Additionally, p.(Trp3195Cys) has been reported in the literature as likely pathogenic in a Taiwanese PKD cohort (PMID: 35778421); Missense variant predicted to be damaging by in silico tool(s) or highly conserved with a major amino acid change. Additional information: Variant is predicted to result in a missense amino acid change from Trp to Arg; This variant is heterozygous; This gene is associated with autosomal dominant disease. Polycystic kidney disease 1 (MIM#173900) is predominantly caused by monoallelic variants, with rare reports of biallelic variants causing disease (OMIM); Previous evidence of pathogenicity for this variant is inconclusive. This variant has been classified as a VUS by clinical laboratories in ClinVar. Additionally, it has been reported in the literature in unrelated individuals with ADPKD, one of whom also had a heterozygous pathogenic ALG8 variant (PMID: 30927425, 23985799, 39899384); No published evidence of segregation with disease has been identified for this variant; No published functional evidence has been identified for this variant; Variant is located in the annotated PLAT/LH2 domain (DECIPHER); Loss of function is a known mechanism of disease in this gene and is associated with polycystic kidney disease 1 (MIM#173900); Inheritance information for this variant is not currently available in this individual.

Blueprint Genetics
Classification: Likely pathogenic for PKD1-related disorders. Last evaluated: 2020-04-14. Review status: criteria provided, single submitter. Criteria: ACMG Guidelines, 2015. Collection method: clinical testing. Allele origin: germline. Affected: yes. Observed: 1 variant allele.

Literature cited by the submitters: PubMed 25646624 (cited by Women's Health and Genetics/Laboratory Corporation of America, LabCorp); PubMed 23985799 (cited by Women's Health and Genetics/Laboratory Corporation of America, LabCorp and Victorian Clinical Genetics Services, Murdoch Childrens Research Institute); PubMed 36186434 (cited by Women's Health and Genetics/Laboratory Corporation of America, LabCorp); PubMed 30927425 (cited by Women's Health and Genetics/Laboratory Corporation of America, LabCorp and Victorian Clinical Genetics Services, Murdoch Childrens Research Institute); PubMed 39899384 (cited by Women's Health and Genetics/Laboratory Corporation of America, LabCorp and Victorian Clinical Genetics Services, Murdoch Childrens Research Institute); PubMed 35778421 (cited by Victorian Clinical Genetics Services, Murdoch Childrens Research Institute); PubMed 32457805 (cited by Victorian Clinical Genetics Services, Murdoch Childrens Research Institute).